The following is an entry in ClinVar:

NM_006030.4(CACNA2D2):c.510G>T (p.Leu170=)

Gene: CACNA2D2 (calcium voltage-gated channel auxiliary subunit alpha2delta 2; minus strand). Cytogenetic location: 3p21.31.
Variant type: single nucleotide variant.
Coding change: c.510G>T on transcript NM_006030.4 (MANE Select); coding-DNA position 510, G replaced by T.
Protein change: p.Leu170=; no amino-acid change (leucine 170 retained).
Molecular consequence: synonymous variant.
Genome position (GRCh38, 1-based): chr3:50,387,568, C>A on the plus strand (G>T on the coding strand, the complement: CACNA2D2 is on the minus strand). VCF-style: chr3-50387568-C-A. GRCh37 (hg19) VCF-style: chr3-50424999-C-A.
Other names: c.510G>T, p.Leu170= (NM_001174051.3, NM_001005505.3); c.303G>T, p.Leu101= (NM_001291101.1).
Identifiers: ClinVar variation 953183 (VCV000953183.7), dbSNP rs1705673244, ClinGen allele CA433709391.
Genomic context (GRCh38, chr3:50,387,568, plus strand): 5'-TTTTACAGCCAAGGCCACCAAGGCCCAGCAAGGAGGTGTGGCTCAGGAGGGGGTGCTCAC[C>A]AGCTCAGCGTCAGCCTTGGCGTCATAGTACACGATGTCTTCCTCCTGGTGAGGGGAGAGA-3'
Protein context (NP_006021.2, residues 160-180): VYYDAKADAE[Leu170=]DDPESEDVER

ClinVar aggregate classification (germline): Uncertain significance (1 of 4 stars; one submission).

Conditions:
Early-infantile DEE. Also called: Early infantile epileptic encephalopathy; Ohtahara syndrome; Early infantile epileptic encephalopathy with suppression bursts. Identifiers: Orphanet 1934, MedGen C0393706, MONDO:0800491.

Submission:

Labcorp Genetics (formerly Invitae), Labcorp
Classification: Uncertain significance for Early-infantile DEE. Last evaluated: 2024-02-24. Review status: criteria provided, single submitter. Criteria: Invitae Variant Classification Sherloc (09022015). Collection method: clinical testing. Allele origin: germline.
Comment: This sequence change affects codon 170 of the CACNA2D2 mRNA. It is a 'silent' change, meaning that it does not change the encoded amino acid sequence of the CACNA2D2 protein. This variant also falls at the last nucleotide of exon 5, which is part of the consensus splice site for this exon. This variant is not present in population databases (gnomAD no frequency). This variant has not been reported in the literature in individuals affected with CACNA2D2-related conditions. ClinVar contains an entry for this variant (Variation ID: 953183). Variants that disrupt the consensus splice site are a relatively common cause of aberrant splicing (PMID: 17576681, 9536098). Algorithms developed to predict the effect of sequence changes on RNA splicing suggest that this variant may disrupt the consensus splice site. In summary, the available evidence is currently insufficient to determine the role of this variant in disease. Therefore, it has been classified as a Variant of Uncertain Significance.

Literature cited by the submitters: PubMed 17576681; PubMed 9536098.